The following is an entry in ClinVar:

ClinVar aggregate classification (germline): Uncertain significance (1 of 4 stars; one submission).

Conditions:
Dilated cardiomyopathy 1J (CMD1J). Also called: CARDIOMYOPATHY, DILATED, WITH SENSORINEURAL HEARING LOSS, AUTOSOMAL DOMINANT. Identifiers: Orphanet 217622, MedGen C1854368, MONDO:0011541, OMIM 605362.

Submission:

Labcorp Genetics (formerly Invitae), Labcorp
Classification: Uncertain significance for Dilated cardiomyopathy 1J. Last evaluated: 2022-04-23. Review status: criteria provided, single submitter. Criteria: Invitae Variant Classification Sherloc (09022015). Collection method: clinical testing. Allele origin: germline.
Comment: This sequence change falls in intron 11 of the EYA4 gene. It does not directly change the encoded amino acid sequence of the EYA4 protein. It affects a nucleotide within the consensus splice site. In summary, the available evidence is currently insufficient to determine the role of this variant in disease. Therefore, it has been classified as a Variant of Uncertain Significance. Variants that disrupt the consensus splice site are a relatively common cause of aberrant splicing (PMID: 17576681, 9536098). Algorithms developed to predict the effect of sequence changes on RNA splicing suggest that this variant is not likely to affect RNA splicing. This variant has not been reported in the literature in individuals affected with EYA4-related conditions. This variant is not present in population databases (gnomAD no frequency).

Literature cited by the submitters: PubMed 17576681; PubMed 9536098.

NM_004100.5(EYA4):c.970+6del

Gene: EYA4 (EYA transcriptional coactivator and phosphatase 4; plus strand). Cytogenetic location: 6q23.2.
Variant type: Deletion.
Coding change: c.970+6del on transcript NM_004100.5 (MANE Select); 6 bases into the intron after coding-DNA position 970, one base deleted (G; older notation c.970+6delG).
Molecular consequence: intron variant. On other transcripts: frameshift variant (2).
Genome position (GRCh38, 1-based): chr6:133,468,737, G deleted. VCF-style (leftmost placement, unchanged base first): chr6-133468736-AG-A. GRCh37 (hg19) VCF-style: chr6-133789874-AG-A.
Other names: c.976del, p.Asp326fs (NM_001301013.2); c.814del, p.Asp272fs (NM_001370459.1); c.970+6del (NM_172105.4); c.901+6del (NM_001370458.1, NM_172103.4); c.808+6del (NM_001301012.2); short protein forms D272fs, D326fs.
Identifiers: ClinVar variation 2073809 (VCV002073809.4), dbSNP rs1795066155, ClinGen allele CA1665009281.